The following is an entry in ClinVar:

ClinVar aggregate classification (germline): Uncertain significance (1 of 4 stars; one submission).

Allele frequency attached by ClinVar (database versions not stated): TOPMed below 0.00001; gnomAD 0.00001.
gnomAD v4.1: 1 of 1,613,850 alleles (0.000062%); highest among the groups gnomAD compares: South Asian, 0.0011%; no homozygotes.

Submission:

Labcorp Genetics (formerly Invitae), Labcorp
Classification: Uncertain significance. Last evaluated: 2024-02-17. Review status: criteria provided, single submitter. Criteria: Invitae Variant Classification Sherloc (09022015). Collection method: clinical testing. Allele origin: germline.
Comment: This sequence change replaces isoleucine, which is neutral and non-polar, with valine, which is neutral and non-polar, at codon 1685 of the NBAS protein (p.Ile1685Val). This variant is not present in population databases (gnomAD no frequency). This variant has not been reported in the literature in individuals affected with NBAS-related conditions. ClinVar contains an entry for this variant (Variation ID: 1468394). Advanced modeling of protein sequence and biophysical properties (such as structural, functional, and spatial information, amino acid conservation, physicochemical variation, residue mobility, and thermodynamic stability) performed at Invitae indicates that this missense variant is not expected to disrupt NBAS protein function with a negative predictive value of 95%. In summary, the available evidence is currently insufficient to determine the role of this variant in disease. Therefore, it has been classified as a Variant of Uncertain Significance.

NM_015909.4(NBAS):c.5053A>G (p.Ile1685Val)

Gene: NBAS (NBAS subunit of NRZ tethering complex; minus strand). Cytogenetic location: 2p24.3.
Variant type: single nucleotide variant.
Coding change: c.5053A>G on transcript NM_015909.4 (MANE Select); coding-DNA position 5053, A replaced by G.
Protein change: p.Ile1685Val; replaces isoleucine 1685 with valine.
Molecular consequence: missense variant. On other transcripts: non-coding transcript variant (1).
Genome position (GRCh38, 1-based): chr2:15,287,158, T>C on the plus strand (A>G on the coding strand, the complement: NBAS is on the minus strand). VCF-style: chr2-15287158-T-C. GRCh37 (hg19) VCF-style: chr2-15427282-T-C.
Other names: short protein forms I1685V.
Identifiers: ClinVar variation 1468394 (VCV001468394.8), dbSNP rs747809518, ClinGen allele CA42608756.